The following is an entry in ClinVar:

NM_000153.4(GALC):c.328+1G>A

Gene: GALC (galactosylceramidase; minus strand). Cytogenetic location: 14q31.3.
Variant type: single nucleotide variant.
Coding change: c.328+1G>A on transcript NM_000153.4 (MANE Select); the canonical splice donor site of the intron after coding-DNA position 328, G replaced by A.
Molecular consequence: splice donor variant.
Genome position (GRCh38, 1-based): chr14:87,988,143, C>T on the plus strand (G>A on the coding strand, the complement: GALC is on the minus strand). VCF-style: chr14-87988143-C-T. GRCh37 (hg19) VCF-style: chr14-88454487-C-T.
Other names: c.328+1G>A (NM_000153.3); c.250+1G>A (NM_001201402.2); c.259+1G>A (NM_001201401.2).
Identifiers: ClinVar variation 1498237 (VCV001498237.8), dbSNP rs779701490, ClinGen allele CA390753160.

ClinVar aggregate classification (germline): Pathogenic/Likely pathogenic. Review status: criteria provided, multiple submitters, no conflicts (2 of 4 stars). 2 submissions from 2 submitters: Pathogenic (1); Likely pathogenic (1). Last evaluated 2025-05-23.

Conditions:
Galactosylceramide beta-galactosidase deficiency. Also called: Krabbe Disease; Leukodystrophy, Globoid Cell; GALACTOCEREBROSIDASE DEFICIENCY; GALC DEFICIENCY; GLOBOID CELL LEUKOENCEPHALOPATHY. Identifiers: Orphanet 487, MedGen C0023521, MONDO:0009499, OMIM 245200.

gnomAD v4.1: 1 of 1,612,744 alleles (0.000062%); highest among the groups gnomAD compares: Admixed American, 0.0017%; no homozygotes.

Submissions (2):

Natera, Inc.
Classification: Likely pathogenic for Galactosylceramide beta-galactosidase deficiency. Last evaluated: 2025-05-23. Review status: criteria provided, single submitter. Criteria: Natera Variant Classification Schema (03/2026). Collection method: clinical testing. Allele origin: germline.
Comment: The c.328+1G>A variant in GALC is a canonical splice donor site variant predicted to affect pre-mRNA splicing, which may result in an abnormal transcript and altered protein product. This variant is expected to result in nonsense mediated decay, truncation, or a dysfunctional protein product. This variant is rare in the general population with a frequency below the threshold expected for the associated phenotype(s). Given the available evidence, this variant is classified as Likely Pathogenic.

Labcorp Genetics (formerly Invitae), Labcorp
Classification: Pathogenic for Galactosylceramide beta-galactosidase deficiency. Last evaluated: 2022-10-28. Review status: criteria provided, single submitter. Criteria: Invitae Variant Classification Sherloc (09022015). Collection method: clinical testing. Allele origin: germline.
Comment: ClinVar contains an entry for this variant (Variation ID: 1498237). For these reasons, this variant has been classified as Pathogenic. Algorithms developed to predict the effect of sequence changes on RNA splicing suggest that this variant may disrupt the consensus splice site. Disruption of this splice site has been observed in individual(s) with Krabbe disease (Invitae). This variant is not present in population databases (gnomAD no frequency). This sequence change affects a donor splice site in intron 3 of the GALC gene. It is expected to disrupt RNA splicing. Variants that disrupt the donor or acceptor splice site typically lead to a loss of protein function (PMID: 16199547), and loss-of-function variants in GALC are known to be pathogenic (PMID: 7437911, 9272171, 16607461).

Literature cited by the submitters: PubMed 16199547 (cited by Labcorp Genetics (formerly Invitae), Labcorp); PubMed 7437911 (cited by Labcorp Genetics (formerly Invitae), Labcorp); PubMed 9272171 (cited by Labcorp Genetics (formerly Invitae), Labcorp); PubMed 16607461 (cited by Labcorp Genetics (formerly Invitae), Labcorp).